The following is an entry in ClinVar:

NM_000718.4(CACNA1B):c.2488_2524del (p.Val830fs)

Gene: CACNA1B (calcium voltage-gated channel subunit alpha1 B; plus strand). Cytogenetic location: 9q34.3.
Variant type: Deletion.
Coding change: c.2488_2524del on transcript NM_000718.4 (MANE Select); coding-DNA positions 2488 to 2524, 37 bases deleted.
Protein change: p.Val830fs; shifts the reading frame from valine 830.
Molecular consequence: frameshift variant.
Genome position (GRCh38, 1-based): chr9:138,023,231-138,023,267, 37 bases deleted; deleting any 37 consecutive bases within chr9:138,023,226-138,023,267 gives the same sequence; the c. name uses the placement nearest the transcript's 3' end. GRCh37 (hg19): chr9:140,917,683-140,917,719.
Other names: c.2488_2524del, p.Val830fs (NM_001243812.2); short protein forms V830fs.
Identifiers: ClinVar variation 3655110 (VCV003655110.2).

ClinVar aggregate classification (germline): Pathogenic (1 of 4 stars; one submission).

Submission:

Labcorp Genetics (formerly Invitae), Labcorp
Classification: Pathogenic. Last evaluated: 2024-05-31. Review status: criteria provided, single submitter. Criteria: Invitae Variant Classification Sherloc (09022015). Collection method: clinical testing. Allele origin: germline.
Comment: This sequence change creates a premature translational stop signal (p.Val830Profs*167) in the CACNA1B gene. It is expected to result in an absent or disrupted protein product. Loss-of-function variants in CACNA1B are known to be pathogenic (PMID: 30982612). This variant is not present in population databases (gnomAD no frequency). This variant has not been reported in the literature in individuals affected with CACNA1B-related conditions. For these reasons, this variant has been classified as Pathogenic.

Literature cited by the submitters: PubMed 30982612.